The following is an entry in ClinVar:

ClinVar aggregate classification (germline): Likely benign (1 of 4 stars; one submission).

Allele frequency attached by ClinVar (database versions not stated): ExAC 0.00003.
gnomAD v4.1: 65 of 1,613,690 alleles (0.004%); highest among the groups gnomAD compares: Middle Eastern, 0.016%; no homozygotes.

Submission:

CeGaT Center for Human Genetics Tuebingen
Classification: Likely benign. Last evaluated: 2022-06-01. Review status: criteria provided, single submitter. Criteria: CeGaT Center For Human Genetics Tuebingen Variant Classification Criteria Version 2. Collection method: clinical testing. Allele origin: germline. Affected: yes. Observed: 1 variant allele.
Comment: IRF2BPL: BP4, BP7

NM_024496.4(IRF2BPL):c.1173C>G (p.Arg391=)

Gene: IRF2BPL (interferon regulatory factor 2 binding protein like; minus strand). Cytogenetic location: 14q24.3.
Variant type: single nucleotide variant.
Coding change: c.1173C>G on transcript NM_024496.4 (MANE Select); coding-DNA position 1173, C replaced by G.
Protein change: p.Arg391=; no amino-acid change (arginine 391 retained).
Molecular consequence: synonymous variant.
Genome position (GRCh38, 1-based): chr14:77,026,620, G>C on the plus strand (C>G on the coding strand, the complement: IRF2BPL is on the minus strand). VCF-style: chr14-77026620-G-C. GRCh37 (hg19) VCF-style: chr14-77492963-G-C.
Identifiers: ClinVar variation 2644390 (VCV002644390.24), dbSNP rs764780408, ClinGen allele CA7283733.
Genomic context (GRCh38, chr14:77,026,620, plus strand): 5'-GGGCTTGGAGACGGCGTCGAAGGCGAAAACGCGGCCCAGCAGCGAGTGGTCCTTCTTGAA[G>C]CGAACCTCGTAGGGCGTGCAGCCTGCCAGCGTGAGCAGCGTGTCGCGGACCATCTTGGGC-3'
Protein context (NP_078772.1, residues 381-401): TLAGCTPYEV[Arg391=]FKKDHSLLGR